The following is an entry in ClinVar:

ClinVar aggregate classification (germline): Uncertain significance (1 of 4 stars; one submission).

Submission:

Labcorp Genetics (formerly Invitae), Labcorp
Classification: Uncertain significance. Last evaluated: 2023-08-02. Review status: criteria provided, single submitter. Criteria: Invitae Variant Classification Sherloc (09022015). Collection method: clinical testing. Allele origin: germline.
Comment: This sequence change replaces isoleucine, which is neutral and non-polar, with leucine, which is neutral and non-polar, at codon 617 of the POLE protein (p.Ile617Leu). This variant is not present in population databases (gnomAD no frequency). This variant has not been reported in the literature in individuals affected with POLE-related conditions. Advanced modeling of protein sequence and biophysical properties (such as structural, functional, and spatial information, amino acid conservation, physicochemical variation, residue mobility, and thermodynamic stability) performed at Invitae indicates that this missense variant is not expected to disrupt POLE protein function. In summary, the available evidence is currently insufficient to determine the role of this variant in disease. Therefore, it has been classified as a Variant of Uncertain Significance.

NM_006231.4(POLE):c.1849A>C (p.Ile617Leu)

Gene: POLE (DNA polymerase epsilon, catalytic subunit; minus strand). Cytogenetic location: 12q24.33.
Variant type: single nucleotide variant.
Coding change: c.1849A>C on transcript NM_006231.4 (MANE Select); coding-DNA position 1849, A replaced by C.
Protein change: p.Ile617Leu; replaces isoleucine 617 with leucine.
Molecular consequence: missense variant.
Genome position (GRCh38, 1-based): chr12:132,668,885, T>G on the plus strand (A>C on the coding strand, the complement: POLE is on the minus strand). VCF-style: chr12-132668885-T-G. GRCh37 (hg19) VCF-style: chr12-133245471-T-G.
Other names: short protein forms I617L.
Identifiers: ClinVar variation 2749154 (VCV002749154.3), dbSNP rs1336668078, ClinGen allele CA387355529.